The following is an entry in ClinVar:

NM_001369369.1(FOXN1):c.1428C>T (p.Asp476=)

Gene: FOXN1 (forkhead box N1; plus strand). Cytogenetic location: 17q11.2.
Variant type: single nucleotide variant.
Coding change: c.1428C>T on transcript NM_001369369.1 (MANE Select); coding-DNA position 1428, C replaced by T.
Protein change: p.Asp476=; no amino-acid change (aspartic acid 476 retained).
Molecular consequence: synonymous variant.
Genome position (GRCh38, 1-based): chr17:28,534,999, C>T. VCF-style: chr17-28534999-C-T. GRCh37 (hg19) VCF-style: chr17-26862017-C-T.
Other names: c.1428C>T, p.Asp476= (NM_003593.3).
Identifiers: ClinVar variation 1077265 (VCV001077265.9), dbSNP rs745515677, ClinGen allele CA8459526.
Genomic context (GRCh38, chr17:28,534,999, plus strand): 5'-GCACCTCTCACCAGGCCTGGCCCCTCCTGGACCCCCGCAGCCATTGTTCCCACAGCCGGA[C>T]GGGCACCTTGAGCTGCGGGCCCAGCCAGGCACCCCCCAGGACTCGCCTCTGCCTGCCCAC-3'
Protein context (NP_001356298.1, residues 466-486): GPPQPLFPQP[Asp476=]GHLELRAQPG

ClinVar aggregate classification (germline): Likely benign. Review status: criteria provided, multiple submitters, no conflicts (2 of 4 stars). 3 submissions from 3 submitters: Likely benign (3). Last evaluated 2026-06-01.

Conditions:
T-cell immunodeficiency, congenital alopecia, and nail dystrophy. Also called: Congenital alopecia and nail dystrophy associated with severe functional T-cell immunodeficiency; Pignata Guarino syndrome. Identifiers: Orphanet 169095, MedGen C1866426, MONDO:0011132, OMIM 601705.

Allele frequency attached by ClinVar (database versions not stated): ExAC 0.00001; gnomAD exomes 0.00002 and 0.00003; gnomAD 0.00005; TOPMed 0.00007.
gnomAD v4.1: 40 of 1,613,828 alleles (0.0025%); highest among the groups gnomAD compares: African/African-American, 0.013%; no homozygotes.

Submissions (3):

CeGaT Center for Human Genetics Tuebingen
Classification: Likely benign. Last evaluated: 2026-06-01. Review status: criteria provided, single submitter. Criteria: CeGaT Center For Human Genetics Tuebingen Variant Classification Criteria Version 2. Collection method: clinical testing. Allele origin: germline. Affected: yes. Observed: 1 variant allele.
Comment: FOXN1: BP4, BP7

Labcorp Genetics (formerly Invitae), Labcorp
Classification: Likely benign for T-cell immunodeficiency, congenital alopecia, and nail dystrophy. Last evaluated: 2024-10-23. Review status: criteria provided, single submitter. Criteria: Invitae Variant Classification Sherloc (09022015). Collection method: clinical testing. Allele origin: germline.

Blueprint Genetics
Classification: Likely benign. Last evaluated: 2023-11-29. Review status: criteria provided, single submitter. Criteria: ACMG Guidelines, 2015. Collection method: clinical testing. Allele origin: germline.